The following is an entry in ClinVar:

ClinVar aggregate classification (germline): Pathogenic. Review status: criteria provided, single submitter (1 of 4 stars). 2 submissions from 2 submitters: Pathogenic (1). 1 of the submissions does not count toward it. Last evaluated 2021-10-02.

Conditions:
Fanconi anemia complementation group A (FANCA). Also called: Fanconi anemia, group A; FANCA-Related Fanconi Anemia. Identifiers: Orphanet 84, MedGen C3469521, MONDO:0009215, OMIM 227650.
Fanconi anemia (FA). Also called: Fanconi's anemia. Identifiers: Orphanet 84, MedGen C0015625, MeSH D005199, MONDO:0019391.

Submissions (2):

Labcorp Genetics (formerly Invitae), Labcorp
Classification: Pathogenic for Fanconi anemia. Last evaluated: 2021-10-02. Review status: criteria provided, single submitter. Criteria: Invitae Variant Classification Sherloc (09022015). Collection method: clinical testing. Allele origin: germline.
Comment: This variant is not present in population databases (ExAC no frequency). For these reasons, this variant has been classified as Pathogenic. ClinVar contains an entry for this variant (Variation ID: 973985). This premature translational stop signal has been observed in individual(s) with Fanconi anemia (PMID: 21273304, 31586946). This sequence change creates a premature translational stop signal (p.Ile78Thrfs*16) in the FANCA gene. It is expected to result in an absent or disrupted protein product. Loss-of-function variants in FANCA are known to be pathogenic (PMID: 19367192).

Leiden Open Variation Database
Classification: Pathogenic for Fanconi anemia complementation group A. Last evaluated: 2020-02-28. Review status: no assertion criteria provided. Collection method: curation. Allele origin: germline. Affected: yes. Not counted in ClinVar's aggregate classification.
Comment: Curator: Arleen D. Auerbach. Submitter to LOVD: Arleen D. Auerbach.

Literature cited by the submitters: PubMed 21273304 (cited by Labcorp Genetics (formerly Invitae), Labcorp and Leiden Open Variation Database); PubMed 31586946 (cited by Labcorp Genetics (formerly Invitae), Labcorp); PubMed 19367192 (cited by Labcorp Genetics (formerly Invitae), Labcorp).

NM_000135.4(FANCA):c.233_236del (p.Ile78fs)

Gene: FANCA (FA complementation group A; minus strand). Cytogenetic location: 16q24.3.
Variant type: Deletion.
Coding change: c.233_236del on transcript NM_000135.4 (MANE Select); coding-DNA positions 233 to 236, 4 bases deleted (TTGA; older notation c.233_236delTTGA).
Protein change: p.Ile78fs; shifts the reading frame from isoleucine 78.
Molecular consequence: frameshift variant.
Genome position (GRCh38, 1-based): chr16:89,814,567-89,814,570, TCAA deleted on the plus strand (TTGA on the coding strand, the reverse complement: FANCA is on the minus strand); deleting any 4 consecutive bases within chr16:89,814,567-89,814,573 gives the same sequence; the c. name uses the placement nearest the transcript's 3' end. VCF-style (leftmost placement, unchanged base first): chr16-89814566-GTCAA-G. GRCh37 (hg19) VCF-style: chr16-89880974-GTCAA-G.
Other names: c.233_236del, p.Ile78fs (NM_001018112.3, NM_001286167.3, NM_001351830.2); short protein forms I78fs.
Identifiers: ClinVar variation 973985 (VCV000973985.6), dbSNP rs2041026343, ClinGen allele CA1139664994.